The following is an entry in ClinVar:

NM_001267550.2(TTN):c.98465A>G (p.Asp32822Gly)

Genes: TTN (titin; minus strand), TTN-AS1 (TTN antisense RNA 1; plus strand). Cytogenetic location: 2q31.2.
Variant type: single nucleotide variant.
Coding change: c.98465A>G on transcript NM_001267550.2 (MANE Select); coding-DNA position 98465, A replaced by G.
Protein change: p.Asp32822Gly; replaces aspartic acid 32822 with glycine.
Molecular consequence: missense variant. On other transcripts: non-coding transcript variant (1).
Genome position (GRCh38, 1-based): chr2:178,539,600, T>C on the plus strand (A>G on the coding strand, the complement: TTN is on the minus strand). VCF-style: chr2-178539600-T-C. GRCh37 (hg19) VCF-style: chr2-179404327-T-C.
Other names: c.90761A>G, p.Asp30254Gly (NM_133378.4); c.93542A>G, p.Asp31181Gly (NM_001256850.1); c.71270A>G, p.Asp23757Gly (NM_003319.4); c.71645A>G, p.Asp23882Gly (NM_133432.3); c.71846A>G, p.Asp23949Gly (NM_133437.4); short protein forms D30254G, D32822G, D23757G, D23882G, D23949G, D31181G.
Identifiers: ClinVar variation 165682 (VCV000165682.41), dbSNP rs191054704, ClinGen allele CA178394.

ClinVar aggregate classification (germline): Conflicting classifications of pathogenicity. Review status: criteria provided, conflicting classifications (1 of 4 stars). 12 submissions from 12 submitters: Uncertain significance (7); Benign (1); Likely benign (4). Last evaluated 2026-09-16.

Conditions:
Cardiovascular phenotype. Identifiers: MedGen CN230736.
TTN-related disorder. Also called: TTN-related condition; TTN-related disease; TTN-related disorders.
Dilated cardiomyopathy 1G (CMD1G). Identifiers: Orphanet 154, MedGen C1858763, MONDO:0011400, OMIM 604145.
Autosomal recessive limb-girdle muscular dystrophy type 2J (LGMDR10). Also called: Limb-girdle muscular dystrophy, type 2J; MUSCULAR DYSTROPHY, LIMB-GIRDLE, AUTOSOMAL RECESSIVE 10. Identifiers: Orphanet 140922, MedGen C1837342, MONDO:0012127, OMIM 608807.
Cardiomyopathy (CMYO). Also called: Cardiomyopathies. Identifiers: Orphanet 167848, MedGen C0878544, MONDO:0004994, HP:0001638. Inheritance: Various modes of inheritance.
Primary dilated cardiomyopathy (DCM). Also called: Dilated Cardiomyopathy. Identifiers: Orphanet 217604, MedGen C0007193, MeSH D002311, MONDO:0005021, HP:0001644. Inheritance: Various modes of inheritance.

Allele frequency attached by ClinVar (database versions not stated): gnomAD 0.00001; gnomAD exomes 0.00002 and 0.00006; TOPMed 0.00005; ExAC 0.00007.
gnomAD v4.1: 42 of 1,613,758 alleles (0.0026%); highest among the groups gnomAD compares: East Asian, 0.065%; no homozygotes.

Submissions (12):

PreventionGenetics, part of Exact Sciences
Classification: Uncertain significance for TTN-related condition. Last evaluated: 2026-09-16. Review status: criteria provided, single submitter. Criteria: ACMG Guidelines, 2015. Collection method: clinical testing. Allele origin: germline.
Comment: The TTN c.98465A>G variant is predicted to result in the amino acid substitution p.Asp32822Gly. This variant has been reported as a variant of uncertain significance in a cohort of individuals with dilated cardiomyopathy (Table S2b, Al-Shafai et al. 2021. PubMed ID: 34137518). This variant is reported in 0.077% of alleles in individuals of East Asian descent in gnomAD. Although we suspect that this variant may be benign, at this time, the clinical significance of this variant is uncertain due to the absence of conclusive functional and genetic evidence.

Labcorp Genetics (formerly Invitae), Labcorp
Classification: Likely benign for Dilated cardiomyopathy 1G; Autosomal recessive limb-girdle muscular dystrophy type 2J. Last evaluated: 2026-02-03. Review status: criteria provided, single submitter. Criteria: Invitae Variant Classification Sherloc (09022015). Collection method: clinical testing. Allele origin: germline.

Women's Health and Genetics/Laboratory Corporation of America, LabCorp
Classification: Likely benign. Last evaluated: 2025-11-12. Review status: criteria provided, single submitter. Criteria: LabCorp Variant Classification Summary - May 2015. Collection method: clinical testing. Allele origin: germline.
Comment: Variant summary: TTN c.90761A>G (p.Asp30254Gly) results in a non-conservative amino acid change in the encoded protein sequence. Algorithms developed to predict the effect of missense changes on protein structure and function are either unavailable or do not agree on the potential impact of this missense change. The variant allele was found at a frequency of 6e-05 in 248550 control chromosomes, predominantly at a frequency of 0.00078 within the East Asian subpopulation in the gnomAD database. The observed variant frequency within East Asian control individuals in the gnomAD database exceeds the estimated maximal expected allele frequency for disease-causing variants in TTN. c.90761A>G has been observed in an individual affected with Dilated Cardiomyopathy (Al-Shafai_2021). This report does not provide unequivocal conclusions about association of the variant with Dilated Cardiomyopathy. To our knowledge, no experimental evidence demonstrating an impact on protein function has been reported. The following publication has been ascertained in the context of this evaluation (PMID: 34137518). ClinVar contains an entry for this variant (Variation ID: 165682). Based on the evidence outlined above, the variant was classified as likely benign.

Blueprint Genetics
Classification: Likely benign. Last evaluated: 2024-10-25. Review status: criteria provided, single submitter. Criteria: ACMG Guidelines, 2015. Collection method: clinical testing. Allele origin: germline.

Mayo Clinic Laboratories, Mayo Clinic
Classification: Uncertain significance. Last evaluated: 2024-02-12. Review status: criteria provided, single submitter. Criteria: ACMG Guidelines, 2015. Collection method: clinical testing. Allele origin: germline. Observed: 1 variant allele.

Revvity Omics, Revvity
Classification: Uncertain significance. Last evaluated: 2023-06-21. Review status: criteria provided, single submitter. Criteria: ACMG Guidelines, 2015. Collection method: clinical testing. Allele origin: germline.

CHEO Genetics Diagnostic Laboratory, Children's Hospital of Eastern Ontario
Classification: Benign for Cardiomyopathy. Last evaluated: 2023-05-16. Review status: criteria provided, single submitter. Criteria: ACMG Guidelines, 2015. Collection method: clinical testing. Allele origin: germline.

GeneDx
Classification: Likely benign. Last evaluated: 2021-03-03. Review status: criteria provided, single submitter. Criteria: GeneDx Variant Classification Process June 2021. Collection method: clinical testing. Allele origin: germline. Affected: yes.

Ambry Genetics
Classification: Uncertain significance for Cardiovascular phenotype. Last evaluated: 2018-08-28. Review status: criteria provided, single submitter. Criteria: Ambry Variant Classification Scheme 2023. Collection method: clinical testing. Allele origin: germline.
Comment: The p.D23757G variant (also known as c.71270A>G), located in coding exon 179 of the TTN gene, results from an A to G substitution at nucleotide position 71270. The aspartic acid at codon 23757 is replaced by glycine, an amino acid with similar properties. This amino acid position is highly conserved in available vertebrate species. In addition, this alteration is predicted to be tolerated by in silico analysis. Since supporting evidence is limited at this time, the clinical significance of this alteration remains unclear.

Eurofins Ntd Llc (ga)
Classification: Uncertain significance. Last evaluated: 2018-06-21. Review status: criteria provided, single submitter. Criteria: EGL ClinVar v180209 classification definitions. Collection method: clinical testing. Allele origin: germline. Observed: 2 variant alleles, 2 heterozygotes.

Laboratory for Molecular Medicine, Mass General Brigham Personalized Medicine
Classification: Uncertain significance. Last evaluated: 2013-04-03. Review status: criteria provided, single submitter. Criteria: LMM Criteria. Collection method: clinical testing. Allele origin: germline. Observed: 1 variant allele.
Comment: The Asp30254Gly variant in TTN has not been reported in the literature nor previ ously identified by our laboratory. This variant has not been identified in larg e European American and African American populations by the NHLBI Exome Sequenci ng Project, though it may be present in othe r populations. Computational analyses (conservation, PolyPhen2, and SIFT) sugges t that this variant may impact the protein, though this information is not predi ctive enough to determine pathogenicity. Additional information is needed to ful ly assess the clinical significance of this variant.

Genetics and Genomics Program, Sidra Medicine
Classification: Uncertain significance for Primary dilated cardiomyopathy. Review status: criteria provided, single submitter. Criteria: ACMG Guidelines, 2015. Collection method: research. Allele origin: unknown. Affected: yes. Observed: 1 variant allele.

Literature cited by the submitters: PubMed 34137518 (cited by Women's Health and Genetics/Laboratory Corporation of America, LabCorp).